The following is an entry in ClinVar:

NM_000137.4(FAH):c.1025C>T (p.Pro342Leu)

Gene: FAH (fumarylacetoacetate hydrolase; plus strand). Cytogenetic location: 15q25.1.
Variant type: single nucleotide variant.
Coding change: c.1025C>T on transcript NM_000137.4 (MANE Select); coding-DNA position 1025, C replaced by T.
Protein change: p.Pro342Leu; replaces proline 342 with leucine.
Molecular consequence: missense variant.
Genome position (GRCh38, 1-based): chr15:80,180,188, C>T. VCF-style: chr15-80180188-C-T. GRCh37 (hg19) VCF-style: chr15-80472530-C-T.
Other names: c.1025C>T, p.Pro342Leu (NM_001374377.1, NM_001374380.1); short protein forms P342L.
Identifiers: ClinVar variation 551024 (VCV000551024.60), dbSNP rs779040832, ClinGen allele CA7691443.

ClinVar aggregate classification (germline): Pathogenic/Likely pathogenic. Review status: criteria provided, multiple submitters, no conflicts (2 of 4 stars). 8 submissions from 8 submitters: Pathogenic (6); Likely pathogenic (1). 1 of the submissions does not count toward it. Last evaluated 2025-12-19.

Conditions:
Tyrosinemia type I (TYRSN1). Also called: FAH DEFICIENCY; Tyrosinemia type 1; Fumarylacetoacetase deficiency; Deficiency of fumarylacetoacetase; HEPATORENAL TYROSINEMIA. Identifiers: Orphanet 882, MedGen C0268490, MONDO:0010161, OMIM 276700. Disease mechanism: loss of function.

Allele frequency attached by ClinVar (database versions not stated): TOPMed below 0.00001; gnomAD 0.00001; gnomAD exomes 0.00001 and 0.00002; ExAC 0.00003.
gnomAD v4.1: 17 of 1,609,618 alleles (0.0011%); highest among the groups gnomAD compares: Middle Eastern, 0.017%; no homozygotes.

Submissions (8):

Natera, Inc.
Classification: Pathogenic for Tyrosinemia type I. Last evaluated: 2025-12-19. Review status: criteria provided, single submitter. Criteria: Natera Variant Classification Schema (03/2026). Collection method: clinical testing. Allele origin: germline.
Comment: The c.1025C>T variant in FAH is a missense variant predicted to cause substitution of proline to leucine at amino acid 342. This variant is rare in the general population with a frequency below the threshold expected for the associated phenotype(s). This variant has been observed in one or more individuals affected with the associated recessive disease, as either homozygous or compound heterozygous with a second variant (PMID: 30414057, 8829657, 31568711). Computational prediction algorithms indicate this variant is likely to affect gene or protein function. Given the available evidence, this variant is classified as Pathogenic.

Labcorp Genetics (formerly Invitae), Labcorp
Classification: Pathogenic for Tyrosinemia type I. Last evaluated: 2024-05-07. Review status: criteria provided, single submitter. Criteria: Invitae Variant Classification Sherloc (09022015). Collection method: clinical testing. Allele origin: germline.
Comment: This sequence change replaces proline, which is neutral and non-polar, with leucine, which is neutral and non-polar, at codon 342 of the FAH protein (p.Pro342Leu). This variant is present in population databases (rs779040832, gnomAD 0.003%). This missense change has been observed in individual(s) with tyrosinemia type 1 (PMID: 8005583, 8829657, 9633815, 30414057). ClinVar contains an entry for this variant (Variation ID: 551024). Advanced modeling of protein sequence and biophysical properties (such as structural, functional, and spatial information, amino acid conservation, physicochemical variation, residue mobility, and thermodynamic stability) has been performed at Invitae for this missense variant, however the output from this modeling did not meet the statistical confidence thresholds required to predict the impact of this variant on FAH protein function. Experimental studies have shown that this missense change affects FAH function (PMID: 8005583). For these reasons, this variant has been classified as Pathogenic.

Fulgent Genetics
Classification: Pathogenic for Tyrosinemia type I. Last evaluated: 2024-01-08. Review status: criteria provided, single submitter. Criteria: ACMG Guidelines, 2015. Collection method: clinical testing. Allele origin: germline.

Baylor Genetics
Classification: Likely pathogenic for Tyrosinemia type I. Last evaluated: 2023-12-01. Review status: criteria provided, single submitter. Criteria: ACMG Guidelines, 2015. Collection method: clinical testing. Allele origin: unknown.

Genome-Nilou Lab
Classification: Pathogenic for Tyrosinemia type I. Last evaluated: 2021-07-22. Review status: criteria provided, single submitter. Criteria: ACMG Guidelines, 2015. Collection method: clinical testing. Allele origin: germline. Affected: no.

CeGaT Center for Human Genetics Tuebingen
Classification: Pathogenic. Last evaluated: 2018-06-01. Review status: criteria provided, single submitter. Criteria: CeGaT Center For Human Genetics Tuebingen Variant Classification Criteria Version 2. Collection method: clinical testing. Allele origin: germline. Affected: yes. Observed: 1 variant allele.

Kariminejad - Najmabadi Pathology & Genetics Center
Classification: Pathogenic for Tyrosinemia type I. Review status: criteria provided, single submitter. Criteria: ACMG Guidelines, 2015. Collection method: clinical testing. Allele origin: germline. Affected: no.

Counsyl
Classification: Pathogenic for Tyrosinemia type I. Last evaluated: 2017-03-07. Review status: no assertion criteria provided. Collection method: clinical testing. Allele origin: unknown. Not counted in ClinVar's aggregate classification.

Literature cited by the submitters: PubMed 30414057 (cited by Natera, Inc. and Labcorp Genetics (formerly Invitae), Labcorp); PubMed 8829657 (cited by 3 submitters); PubMed 31568711 (cited by Natera, Inc.); PubMed 8005583 (cited by Labcorp Genetics (formerly Invitae), Labcorp and Counsyl); PubMed 9633815 (cited by Labcorp Genetics (formerly Invitae), Labcorp and Counsyl).